The following is an entry in ClinVar:

ClinVar aggregate classification (germline): Uncertain significance (1 of 4 stars; one submission).

Allele frequency attached by ClinVar (database versions not stated): gnomAD 0.00001; gnomAD exomes 0.00001; ExAC 0.00002.
gnomAD v4.1: 22 of 1,614,064 alleles (0.0014%); highest among the groups gnomAD compares: Middle Eastern, 0.016%; no homozygotes.

Submission:

Labcorp Genetics (formerly Invitae), Labcorp
Classification: Uncertain significance for Combined immunodeficiency due to DOCK8 deficiency. Last evaluated: 2024-11-05. Review status: criteria provided, single submitter. Criteria: Invitae Variant Classification Sherloc (09022015). Collection method: clinical testing. Allele origin: germline.
Comment: This sequence change replaces arginine, which is basic and polar, with histidine, which is basic and polar, at codon 1241 of the DOCK8 protein (p.Arg1241His). This variant is present in population databases (rs753480350, gnomAD 0.007%). This variant has not been reported in the literature in individuals affected with DOCK8-related conditions. ClinVar contains an entry for this variant (Variation ID: 1985994). Invitae Evidence Modeling of protein sequence and biophysical properties (such as structural, functional, and spatial information, amino acid conservation, physicochemical variation, residue mobility, and thermodynamic stability) indicates that this missense variant is not expected to disrupt DOCK8 protein function with a negative predictive value of 80%. In summary, the available evidence is currently insufficient to determine the role of this variant in disease. Therefore, it has been classified as a Variant of Uncertain Significance.

NM_203447.4(DOCK8):c.3722G>A (p.Arg1241His)

Gene: DOCK8 (dedicator of cytokinesis 8; plus strand). Cytogenetic location: 9p24.3.
Variant type: single nucleotide variant.
Coding change: c.3722G>A on transcript NM_203447.4 (MANE Select); coding-DNA position 3722, G replaced by A.
Protein change: p.Arg1241His; replaces arginine 1241 with histidine.
Molecular consequence: missense variant.
Genome position (GRCh38, 1-based): chr9:418,089, G>A. VCF-style: chr9-418089-G-A. GRCh37 (hg19) VCF-style: chr9-418089-G-A.
Other names: c.3422G>A, p.Arg1141His (NM_001190458.2); c.3518G>A, p.Arg1173His (NM_001193536.2); short protein forms R1141H, R1173H, R1241H.
Identifiers: ClinVar variation 1985994 (VCV001985994.3), dbSNP rs753480350, ClinGen allele CA4958807.